The following is an entry in ClinVar:

ClinVar aggregate classification (germline): Pathogenic/Likely pathogenic. Review status: criteria provided, multiple submitters, no conflicts (2 of 4 stars). 2 submissions from 2 submitters: Pathogenic (1); Likely pathogenic (1). Last evaluated 2024-11-11.

Conditions:
Hypertrophic cardiomyopathy. Also called: HYPERTROPHIC MYOCARDIOPATHY. Identifiers: Orphanet 217569, MedGen C0007194, MeSH D002312, MONDO:0005045, HP:0001639.

Submissions (2):

Mayo Clinic Laboratories, Mayo Clinic
Classification: Likely pathogenic. Last evaluated: 2024-11-11. Review status: criteria provided, single submitter. Criteria: ACMG Guidelines, 2015. Collection method: clinical testing. Allele origin: germline. Observed: 1 variant allele.
Comment: PM2_supporting, PVS1

Labcorp Genetics (formerly Invitae), Labcorp
Classification: Pathogenic for Hypertrophic cardiomyopathy. Last evaluated: 2024-04-17. Review status: criteria provided, single submitter. Criteria: Invitae Variant Classification Sherloc (09022015). Collection method: clinical testing. Allele origin: germline.
Comment: This sequence change creates a premature translational stop signal (p.Cys426*) in the MYBPC3 gene. It is expected to result in an absent or disrupted protein product. Loss-of-function variants in MYBPC3 are known to be pathogenic (PMID: 19574547). This variant is not present in population databases (gnomAD no frequency). This variant has not been reported in the literature in individuals affected with MYBPC3-related conditions. ClinVar contains an entry for this variant (Variation ID: 1374928). For these reasons, this variant has been classified as Pathogenic.

Literature cited by the submitters: PubMed 19574547 (cited by Labcorp Genetics (formerly Invitae), Labcorp).

NM_000256.3(MYBPC3):c.1278C>A (p.Cys426Ter)

Gene: MYBPC3 (myosin binding protein C3; minus strand). Cytogenetic location: 11p11.2.
Variant type: single nucleotide variant.
Coding change: c.1278C>A on transcript NM_000256.3 (MANE Select); coding-DNA position 1278, C replaced by A.
Protein change: p.Cys426Ter; replaces cysteine 426 with a stop codon.
Molecular consequence: nonsense.
Genome position (GRCh38, 1-based): chr11:47,343,094, G>T on the plus strand (C>A on the coding strand, the complement: MYBPC3 is on the minus strand). VCF-style: chr11-47343094-G-T. GRCh37 (hg19) VCF-style: chr11-47364645-G-T.
Other names: p.Cys426*; short protein forms C426*.
Identifiers: ClinVar variation 1374928 (VCV001374928.7), dbSNP rs746770543, ClinGen allele CA380327444.
Genomic context (GRCh38, chr11:47,343,094, plus strand): 5'-CTCCGTGCTACACTTCTCGCCACCCACCACGCACTGGTAGGCTGCGTCGTCCGCCAATGA[G>T]CACTGGCTGATGGTCAGGGTACGCTTGGCACCGATGGACTCAAAGATGTACCTGGGTGGG-3'